The following is an entry in ClinVar:

ClinVar aggregate classification (germline): Conflicting classifications of pathogenicity. Review status: criteria provided, conflicting classifications (1 of 4 stars). 4 submissions from 4 submitters: Uncertain significance (3); Likely benign (1). Last evaluated 2025-08-17.

Conditions:
Cardiovascular phenotype. Identifiers: MedGen CN230736.
Cardiomyopathy (CMYO). Also called: Cardiomyopathies. Identifiers: Orphanet 167848, MedGen C0878544, MONDO:0004994, HP:0001638. Inheritance: Various modes of inheritance.
Dilated cardiomyopathy 1DD (CMD1DD). Identifiers: Orphanet 154, MedGen C2750995, MONDO:0013168, OMIM 613172.

Allele frequency attached by ClinVar (database versions not stated): gnomAD exomes 0.00001; TOPMed 0.00003; gnomAD 0.00001.
gnomAD v4.1: 17 of 1,551,600 alleles (0.0011%); highest among the groups gnomAD compares: East Asian, 0.0024%; no homozygotes.

Submissions (4):

Labcorp Genetics (formerly Invitae), Labcorp
Classification: Likely benign for Dilated cardiomyopathy 1DD. Last evaluated: 2025-08-17. Review status: criteria provided, single submitter. Criteria: Invitae Variant Classification Sherloc (09022015). Collection method: clinical testing. Allele origin: germline.

Molecular Diagnostic Laboratory for Inherited Cardiovascular Disease, Montreal Heart Institute
Classification: Uncertain significance for Cardiovascular phenotype. Last evaluated: 2025-04-09. Review status: criteria provided, single submitter. Criteria: ACMG Guidelines, 2015. Collection method: clinical testing. Allele origin: germline. Affected: yes.

Ambry Genetics
Classification: Uncertain significance for Cardiovascular phenotype. Last evaluated: 2023-11-15. Review status: criteria provided, single submitter. Criteria: Ambry Variant Classification Scheme 2023. Collection method: clinical testing. Allele origin: germline.
Comment: The p.R711C variant (also known as c.2131C>T), located in coding exon 9 of the RBM20 gene, results from a C to T substitution at nucleotide position 2131. The arginine at codon 711 is replaced by cysteine, an amino acid with highly dissimilar properties. This alteration has been reported in association with cardiomyopathy (Parikh VN et al. Circ Heart Fail, 2019 03;12:e005371; Ware JS et al. J Am Coll Cardiol, 2018 May;71:2293-2302; Mazzarotto F et al. Circulation, 2020 Feb;141:387-398; Pe&ntilde;a-Pe&ntilde;a ML et al. Med Clin (Barc), 2021 May;156:485-495). This amino acid position is highly conserved in available vertebrate species. In addition, the in silico prediction for this alteration is inconclusive. Since supporting evidence is limited at this time, the clinical significance of this alteration remains unclear.

CHEO Genetics Diagnostic Laboratory, Children's Hospital of Eastern Ontario
Classification: Uncertain significance for Cardiomyopathy. Last evaluated: 2020-12-09. Review status: criteria provided, single submitter. Criteria: ACMG Guidelines, 2015. Collection method: clinical testing. Allele origin: germline.

Literature cited by the submitters: PubMed 29773157 (cited by Ambry Genetics); PubMed 30871351 (cited by Ambry Genetics); PubMed 31983221 (cited by Ambry Genetics); PubMed 32826072 (cited by Ambry Genetics).

NM_001134363.3(RBM20):c.2131C>T (p.Arg711Cys)

Gene: RBM20 (RNA binding motif protein 20; plus strand). Cytogenetic location: 10q25.2.
Variant type: single nucleotide variant.
Coding change: c.2131C>T on transcript NM_001134363.3 (MANE Select); coding-DNA position 2131, C replaced by T.
Protein change: p.Arg711Cys; replaces arginine 711 with cysteine.
Molecular consequence: missense variant.
Genome position (GRCh38, 1-based): chr10:110,812,528, C>T. VCF-style: chr10-110812528-C-T. GRCh37 (hg19) VCF-style: chr10-112572286-C-T.
Other names: c.2131C>T (LRG_382t1); short protein forms R711C.
Identifiers: ClinVar variation 263478 (VCV000263478.13), dbSNP rs750763255, ClinGen allele CA10587690.
Genomic context (GRCh38, chr10:110,812,528, plus strand): 5'-GCTCCCTGGAGGGACAACGGAGATGACAAGAGGGACAGGATGGACCCCTGGGCACATGAT[C>T]GCAAACACCACCCCCGGCAACTGGACAAGGCTGAGTTGGACGAGCGACCAGAAGGAGGGA-3'
Protein context (NP_001127835.2, residues 701-721): RDRMDPWAHD[Arg711Cys]KHHPRQLDKA